The following is an entry in ClinVar:

ClinVar aggregate classification (germline): Likely benign (1 of 4 stars; one submission).

Allele frequency attached by ClinVar (database versions not stated): 1000 Genomes Project 0.00040; 1000 Genomes Project 30x 0.00047; gnomAD 0.00051 and 0.00052; gnomAD exomes 0.00051; TOPMed 0.00066.

Submission:

GeneDx
Classification: Likely benign. Last evaluated: 2018-02-05. Review status: criteria provided, single submitter. Criteria: GeneDx Variant Classification (06012015). Collection method: clinical testing. Allele origin: germline. Affected: yes.
Comment: This variant is considered likely benign or benign based on one or more of the following criteria: it is a conservative change, it occurs at a poorly conserved position in the protein, it is predicted to be benign by multiple in silico algorithms, and/or has population frequency not consistent with disease.

NM_024301.5(FKRP):c.-39-15G>A

Gene: FKRP (fukutin related protein; plus strand). Cytogenetic location: 19q13.32.
Variant type: single nucleotide variant.
Coding change: c.-39-15G>A on transcript NM_024301.5 (MANE Select); 15 bases into the intron before 39 bases upstream of the start codon, G replaced by A.
Molecular consequence: intron variant.
Genome position (GRCh38, 1-based): chr19:46,755,397, G>A. VCF-style: chr19-46755397-G-A. GRCh37 (hg19) VCF-style: chr19-47258654-G-A.
Other names: c.-39-15G>A (NM_001039885.3).
Identifiers: ClinVar variation 391353 (VCV000391353.1), dbSNP rs531709071, ClinGen allele CA16607856.